The following is an entry in ClinVar:

NM_014585.6(SLC40A1):c.626C>T (p.Ser209Leu)

Gene: SLC40A1 (solute carrier family 40 member 1; minus strand). Cytogenetic location: 2q32.2.
Variant type: single nucleotide variant.
Coding change: c.626C>T on transcript NM_014585.6 (MANE Select); coding-DNA position 626, C replaced by T.
Protein change: p.Ser209Leu; replaces serine 209 with leucine.
Molecular consequence: missense variant.
Genome position (GRCh38, 1-based): chr2:189,565,488, G>A on the plus strand (C>T on the coding strand, the complement: SLC40A1 is on the minus strand). VCF-style: chr2-189565488-G-A. GRCh37 (hg19) VCF-style: chr2-190430214-G-A.
Other names: short protein forms S209L.
Identifiers: ClinVar variation 951489 (VCV000951489.16), dbSNP rs200018415, ClinGen allele CA2024189.

ClinVar aggregate classification (germline): Conflicting classifications of pathogenicity. Review status: criteria provided, conflicting classifications (1 of 4 stars). 6 submissions from 6 submitters: Pathogenic (1); Likely pathogenic (4); Uncertain significance (1). Last evaluated 2025-12-15.

Conditions:
Hemochromatosis type 4 (HFE4). Also called: HEMOCHROMATOSIS DUE TO DEFECT IN FERROPORTIN; HEMOCHROMATOSIS, AUTOSOMAL DOMINANT; Ferroportin disease. Identifiers: Orphanet 139491, Orphanet 647834, Orphanet 648562, MedGen C1853733, MONDO:0011631, OMIM 606069.

Allele frequency attached by ClinVar (database versions not stated): ExAC 0.00009; TOPMed 0.00010; gnomAD 0.00011; gnomAD exomes 0.00013.
gnomAD v4.1: 158 of 1,614,070 alleles (0.0098%); highest among the groups gnomAD compares: East Asian, 0.065%; no homozygotes.

Submissions (6):

Labcorp Genetics (formerly Invitae), Labcorp
Classification: Pathogenic for Hemochromatosis type 4. Last evaluated: 2025-12-15. Review status: criteria provided, single submitter. Criteria: Invitae Variant Classification Sherloc (09022015). Collection method: clinical testing. Allele origin: germline.
Comment: This sequence change replaces serine, which is neutral and polar, with leucine, which is neutral and non-polar, at codon 209 of the SLC40A1 protein (p.Ser209Leu). This variant is present in population databases (rs200018415, gnomAD 0.07%), and has an allele count higher than expected for a pathogenic variant. This missense change has been observed in individual(s) with hyperferritinemia (PMID: 27896572, 28110135). It has also been observed to segregate with disease in related individuals. ClinVar contains an entry for this variant (Variation ID: 951489). Invitae Evidence Modeling of protein sequence and biophysical properties (such as structural, functional, and spatial information, amino acid conservation, physicochemical variation, residue mobility, and thermodynamic stability) has been performed for this missense variant. However, the output from this modeling did not meet the statistical confidence thresholds required to predict the impact of this variant on SLC40A1 protein function. Experimental studies have shown that this missense change affects SLC40A1 function (PMID: 28110135). For these reasons, this variant has been classified as Pathogenic.

Blueprint Genetics
Classification: Uncertain significance. Last evaluated: 2024-08-01. Review status: criteria provided, single submitter. Criteria: ACMG Guidelines, 2015. Collection method: clinical testing. Allele origin: germline.

Clinical Genetics Laboratory, Skane University Hospital Lund
Classification: Likely pathogenic. Last evaluated: 2023-12-15. Review status: criteria provided, single submitter. Criteria: ACMG Guidelines, 2015. Collection method: clinical testing. Allele origin: germline. Affected: yes.

Department of Pathology and Laboratory Medicine, Sinai Health System
Classification: Likely pathogenic for Hemochromatosis type 4. Last evaluated: 2023-09-11. Review status: criteria provided, single submitter. Criteria: ACMG Guidelines, 2015. Collection method: research. Allele origin: germline.

Fulgent Genetics
Classification: Likely pathogenic for Hemochromatosis type 4. Last evaluated: 2021-10-06. Review status: criteria provided, single submitter. Criteria: ACMG Guidelines, 2015. Collection method: clinical testing. Allele origin: unknown.

Juno Genomics, Hangzhou Juno Genomics, Inc
Classification: Likely pathogenic for Hemochromatosis type 4. Review status: criteria provided, single submitter. Criteria: ACMG Guidelines, 2015. Collection method: clinical testing. Allele origin: germline.
Comment: The prevalence of the variant in affected individuals is significantly increased compared to the prevalence in controls.;Patient's phenotype or family history is highly specific for a disease with a single genetic etiology.;Co-segregation with disease in multiple affected family members.;Well-established in vitro or in vivo functional studies supportive of a damaging effect on the gene or gene product.

Literature cited by the submitters: PubMed 27896572 (cited by Labcorp Genetics (formerly Invitae), Labcorp); PubMed 28110135 (cited by Labcorp Genetics (formerly Invitae), Labcorp).